The following is an entry in ClinVar:

NM_002800.5(PSMB9):c.591T>C (p.Thr197=)

Gene: PSMB9 (proteasome 20S subunit beta 9; plus strand). Cytogenetic location: 6p21.32.
Variant type: single nucleotide variant.
Coding change: c.591T>C on transcript NM_002800.5 (MANE Select); coding-DNA position 591, T replaced by C.
Protein change: p.Thr197=; no amino-acid change (threonine 197 retained).
Molecular consequence: synonymous variant.
Genome position (GRCh38, 1-based): chr6:32,859,463, T>C. VCF-style: chr6-32859463-T-C. GRCh37 (hg19) VCF-style: chr6-32827240-T-C.
Other names: p.Thr197=.
Identifiers: ClinVar variation 4683182 (VCV004683182.1).
Genomic context (GRCh38, chr6:32,859,463, plus strand): 5'-AGCTATTGCTCTGGCCATGAGCCGGGATGGCTCAAGCGGGGGTGTCATCTACCTGGTCAC[T>C]ATTACAGCTGCCGGTGTGGACCATCGAGTCATCTTGGGCAATGAACTGCCAAAATTCTAT-3'
Protein context (NP_002791.1, residues 187-207): GSSGGVIYLV[Thr197=]ITAAGVDHRV

ClinVar aggregate classification (germline): Likely benign (1 of 4 stars; one submission).

gnomAD v4.1: 2 of 1,613,836 alleles (0.00012%); highest among the groups gnomAD compares: Non-Finnish European, 0.00017%; no homozygotes.

Submission:

Mayo Clinic Laboratories, Mayo Clinic
Classification: Likely benign. Last evaluated: 2025-10-23. Review status: criteria provided, single submitter. Criteria: ACMG Guidelines, 2015. Collection method: clinical testing. Allele origin: germline. Observed: 1 variant allele.
Comment: BP4, BP7